The following is an entry in ClinVar:

ClinVar aggregate classification (germline): Likely benign. Review status: criteria provided, multiple submitters, no conflicts (2 of 4 stars). 6 submissions from 6 submitters: Likely benign (5). 1 of the submissions does not count toward it. Last evaluated 2026-05-12.

Conditions:
CCDC8-related disorder. Also called: CCDC8-related condition.

Allele frequency attached by ClinVar (database versions not stated): 1000 Genomes Project 30x 0.00062; 1000 Genomes Project 0.00080; TOPMed 0.00153; ESP Exome Variant Server 0.00215.

Submissions (6):

Women's Health and Genetics/Laboratory Corporation of America, LabCorp
Classification: Likely benign. Last evaluated: 2026-05-12. Review status: criteria provided, single submitter. Criteria: LabCorp Variant Classification Summary - May 2015. Collection method: clinical testing. Allele origin: germline.

Labcorp Genetics (formerly Invitae), Labcorp
Classification: Likely benign. Last evaluated: 2026-01-27. Review status: criteria provided, single submitter. Criteria: Invitae Variant Classification Sherloc (09022015). Collection method: clinical testing. Allele origin: germline.

Blueprint Genetics
Classification: Likely benign. Last evaluated: 2024-11-25. Review status: criteria provided, single submitter. Criteria: ACMG Guidelines, 2015. Collection method: clinical testing. Allele origin: germline.

CeGaT Center for Human Genetics Tuebingen
Classification: Likely benign. Last evaluated: 2023-10-01. Review status: criteria provided, single submitter. Criteria: CeGaT Center For Human Genetics Tuebingen Variant Classification Criteria Version 2. Collection method: clinical testing. Allele origin: germline. Affected: yes. Observed: 1 variant allele.
Comment: CCDC8: BP4, BP7

Breakthrough Genomics
Classification: Likely benign. Review status: criteria provided, single submitter. Criteria: ACMG Guidelines, 2015. Collection method: not provided. Allele origin: germline. Inheritance: Autosomal recessive inheritance. Affected: yes.

PreventionGenetics, part of Exact Sciences
Classification: Likely benign for CCDC8-related condition. Last evaluated: 2019-03-06. Review status: no assertion criteria provided. Collection method: clinical testing. Allele origin: germline. Not counted in ClinVar's aggregate classification.
Comment: This variant is classified as likely benign based on ACMG/AMP sequence variant interpretation guidelines (Richards et al. 2015 PMID: 25741868, with internal and published modifications).

NM_032040.5(CCDC8):c.1446C>T (p.Thr482=)

Gene: CCDC8 (coiled-coil domain containing 8 subunit of 3M complex; minus strand). Cytogenetic location: 19q13.32.
Variant type: single nucleotide variant.
Coding change: c.1446C>T on transcript NM_032040.5 (MANE Select); coding-DNA position 1446, C replaced by T.
Protein change: p.Thr482=; no amino-acid change (threonine 482 retained).
Molecular consequence: synonymous variant.
Genome position (GRCh38, 1-based): chr19:46,411,365, G>A on the plus strand (C>T on the coding strand, the complement: CCDC8 is on the minus strand). VCF-style: chr19-46411365-G-A. GRCh37 (hg19) VCF-style: chr19-46914622-G-A.
Identifiers: ClinVar variation 715639 (VCV000715639.38), dbSNP rs148450169, ClinGen allele CA9528485.